The following is an entry in ClinVar:

NM_002480.3(PPP1R12A):c.2335A>G (p.Thr779Ala)

Gene: PPP1R12A (protein phosphatase 1 regulatory subunit 12A; minus strand). Cytogenetic location: 12q21.2.
Variant type: single nucleotide variant.
Coding change: c.2335A>G on transcript NM_002480.3 (MANE Select); coding-DNA position 2335, A replaced by G.
Protein change: p.Thr779Ala; replaces threonine 779 with alanine.
Molecular consequence: missense variant.
Genome position (GRCh38, 1-based): chr12:79,796,908, T>C on the plus strand (A>G on the coding strand, the complement: PPP1R12A is on the minus strand). VCF-style: chr12-79796908-T-C. GRCh37 (hg19) VCF-style: chr12-80190688-T-C.
Other names: c.2335A>G, p.Thr779Ala (NM_001143885.2, NM_001244990.2); c.2074A>G, p.Thr692Ala (NM_001143886.2); c.2167A>G, p.Thr723Ala (NM_001244992.1); c.2335A>G (NM_002480.2); short protein forms T692A, T723A, T779A.
Identifiers: ClinVar variation 1628971 (VCV001628971.34), dbSNP rs201175104, ClinGen allele CA6699456.

ClinVar aggregate classification (germline): Conflicting classifications of pathogenicity. Review status: criteria provided, conflicting classifications (1 of 4 stars). 4 submissions from 4 submitters: Uncertain significance (1); Benign (3). Last evaluated 2025-12-30.

Conditions:
Inborn genetic diseases. Identifiers: MedGen C0950123, MeSH D030342.

Allele frequency attached by ClinVar (database versions not stated): gnomAD 0.00006 and 0.00027; TOPMed 0.00014; gnomAD exomes 0.00062 and 0.00126; 1000 Genomes Project 0.00160; 1000 Genomes Project 30x 0.00172; ExAC 0.00148.
gnomAD v4.1: 953 of 1,612,506 alleles (0.059%); highest among the groups gnomAD compares: South Asian, 0.82%; 7 homozygotes.

Submissions (4):

Labcorp Genetics (formerly Invitae), Labcorp
Classification: Benign. Last evaluated: 2025-12-30. Review status: criteria provided, single submitter. Criteria: Invitae Variant Classification Sherloc (09022015). Collection method: clinical testing. Allele origin: germline.

CeGaT Center for Human Genetics Tuebingen
Classification: Benign. Last evaluated: 2025-09-01. Review status: criteria provided, single submitter. Criteria: CeGaT Center For Human Genetics Tuebingen Variant Classification Criteria Version 2. Collection method: clinical testing. Allele origin: germline. Affected: yes. Observed: 2 variant alleles.
Comment: PPP1R12A: BP4, BS1, BS2

Ambry Genetics
Classification: Uncertain significance for Inborn genetic diseases. Last evaluated: 2024-12-03. Review status: criteria provided, single submitter. Criteria: Ambry Variant Classification Scheme 2023. Collection method: clinical testing. Allele origin: germline.

Breakthrough Genomics
Classification: Benign. Review status: criteria provided, single submitter. Criteria: ACMG Guidelines, 2015. Collection method: not provided. Allele origin: germline. Inheritance: Autosomal dominant inheritance. Affected: yes.